The following is an entry in ClinVar:

ClinVar aggregate classification (germline): Uncertain significance (1 of 4 stars; one submission).

gnomAD v4.1: 4 of 1,614,018 alleles (0.00025%); highest among the groups gnomAD compares: African/African-American, 0.004%; no homozygotes.

Submission:

GeneDx
Classification: Uncertain significance. Last evaluated: 2024-08-07. Review status: criteria provided, single submitter. Criteria: GeneDx Variant Classification Process June 2021. Collection method: clinical testing. Allele origin: germline. Affected: yes.
Comment: Has not been previously published as pathogenic or benign to our knowledge; Not observed at significant frequency in large population cohorts (gnomAD); In silico analysis indicates that this missense variant does not alter protein structure/function

NM_002471.4(MYH6):c.1685A>C (p.Asn562Thr)

Gene: MYH6 (myosin heavy chain 6; minus strand). Cytogenetic location: 14q11.2.
Variant type: single nucleotide variant.
Coding change: c.1685A>C on transcript NM_002471.4 (MANE Select); coding-DNA position 1685, A replaced by C.
Protein change: p.Asn562Thr; replaces asparagine 562 with threonine.
Molecular consequence: missense variant.
Genome position (GRCh38, 1-based): chr14:23,398,934, T>G on the plus strand (A>C on the coding strand, the complement: MYH6 is on the minus strand). VCF-style: chr14-23398934-T-G. GRCh37 (hg19) VCF-style: chr14-23868143-T-G.
Other names: short protein forms N562T.
Identifiers: ClinVar variation 3603085 (VCV003603085.1).